The following is an entry in ClinVar:

ClinVar aggregate classification (germline): Conflicting classifications of pathogenicity. Review status: criteria provided, conflicting classifications (1 of 4 stars). 3 submissions from 3 submitters: Likely pathogenic (2); Uncertain significance (1). Last evaluated 2025-10-13.

Conditions:
Long chain 3-hydroxyacyl-CoA dehydrogenase deficiency. Also called: LCHAD Deficiency; Deficiency of long-chain 3-hydroxyacyl-coenzyme A dehydrogenase. Identifiers: Orphanet 5, MedGen C3711645, MONDO:0012173, OMIM 609016.

Submissions (3):

Natera, Inc.
Classification: Likely pathogenic for Deficiency of long-chain 3-hydroxyacyl-coenzyme A dehydrogenase. Last evaluated: 2025-10-13. Review status: criteria provided, single submitter. Criteria: Natera Variant Classification Schema (03/2026). Collection method: clinical testing. Allele origin: germline.
Comment: The c.1654G>C variant in HADHA is a missense variant predicted to cause substitution of alanine to proline at amino acid 552. This variant is rare in the general population with a frequency below the threshold expected for the associated phenotype(s). This variant has been observed in one or more individuals affected with the associated recessive disease, as either homozygous or compound heterozygous with a second variant (PMID: 38623632). This variant has been identified in one or more affected individual with a phenotype highly consistent with the associated gene (PMID: 38623632). Computational prediction algorithms indicate this variant is likely to affect gene or protein function. Given the available evidence, this variant is classified as Likely Pathogenic.

Women's Health and Genetics/Laboratory Corporation of America, LabCorp
Classification: Uncertain significance. Last evaluated: 2025-06-16. Review status: criteria provided, single submitter. Criteria: LabCorp Variant Classification Summary - May 2015. Collection method: clinical testing. Allele origin: germline.
Comment: Variant summary: HADHA c.1654G>C (p.Ala552Pro) results in a non-conservative amino acid change located in the C-terminal domain (IPR006108) of the encoded protein sequence. Algorithms developed to predict the effect of missense changes on protein structure and function all suggest that this variant is likely to be disruptive. The variant was absent in 251450 control chromosomes (gnomAD). c.1654G>C has been observed in at least 2 compound heterozygous individuals affected with Long Chain 3-Hydroxyacyl-CoA Dehydrogenase Deficiency (Gillingham_2024, Gregor_2024), who carried a second pathogenic variant. These data indicate that the variant may be associated with disease. To our knowledge, no experimental evidence demonstrating an impact on protein function has been reported. The following publications have been ascertained in the context of this evaluation (PMID: 38623632, 39686973). ClinVar contains an entry for this variant (Variation ID: 2675964). Based on the evidence outlined above, the variant was classified as VUS-possibly pathogenic.

Baylor Genetics
Classification: Likely pathogenic for Long chain 3-hydroxyacyl-CoA dehydrogenase deficiency. Last evaluated: 2023-12-27. Review status: criteria provided, single submitter. Criteria: ACMG Guidelines, 2015. Collection method: clinical testing. Allele origin: unknown.

Literature cited by the submitters: PubMed 38623632 (cited by Natera, Inc. and Women's Health and Genetics/Laboratory Corporation of America, LabCorp); PubMed 39686973 (cited by Women's Health and Genetics/Laboratory Corporation of America, LabCorp).

NM_000182.5(HADHA):c.1654G>C (p.Ala552Pro)

Genes: GAREM2 (GRB2 associated regulator of MAPK1 subtype 2; plus strand), HADHA (hydroxyacyl-CoA dehydrogenase trifunctional multienzyme complex subunit alpha; minus strand). Cytogenetic location: 2p23.3.
Variant type: single nucleotide variant.
Coding change: c.1654G>C on transcript NM_000182.5 (MANE Select); coding-DNA position 1654, G replaced by C.
Protein change: p.Ala552Pro; replaces alanine 552 with proline.
Molecular consequence: missense variant.
Genome position (GRCh38, 1-based): chr2:26,194,605, C>G on the plus strand (G>C on the coding strand, the complement: HADHA is on the minus strand). VCF-style: chr2-26194605-C-G. GRCh37 (hg19) VCF-style: chr2-26417474-C-G.
Other names: c.1654G>C (NM_000182.4); short protein forms A552P.
Identifiers: ClinVar variation 2675964 (VCV002675964.4), dbSNP rs2465515861, ClinGen allele CA346119372.